The following is an entry in ClinVar:

ClinVar aggregate classification (germline): Uncertain significance (1 of 4 stars; one submission).

Conditions:
Autosomal dominant Parkinson disease 8. Also called: Parkinson disease 8, susceptibility to; LRRK2-Related Parkinson Disease; Parkinson disease 8. Identifiers: Orphanet 411602, MedGen C1846862, MONDO:0011764, OMIM 607060.

Allele frequency attached by ClinVar (database versions not stated): gnomAD exomes 0.00002.
gnomAD v4.1: 31 of 1,612,424 alleles (0.0019%); highest among the groups gnomAD compares: Non-Finnish European, 0.0026%; no homozygotes.

Submission:

Labcorp Genetics (formerly Invitae), Labcorp
Classification: Uncertain significance for Autosomal dominant Parkinson disease 8. Last evaluated: 2020-01-15. Review status: criteria provided, single submitter. Criteria: Invitae Variant Classification Sherloc (09022015). Collection method: clinical testing. Allele origin: germline.
Comment: This sequence change replaces alanine with threonine at codon 1490 of the LRRK2 protein (p.Ala1490Thr). The alanine residue is moderately conserved and there is a small physicochemical difference between alanine and threonine. This variant is not present in population databases (ExAC no frequency). This variant has not been reported in the literature in individuals with LRRK2-related conditions. Algorithms developed to predict the effect of missense changes on protein structure and function are either unavailable or do not agree on the potential impact of this missense change (SIFT: "Tolerated"; PolyPhen-2: "Probably Damaging"; Align-GVGD: "Class C0"). In summary, the available evidence is currently insufficient to determine the role of this variant in disease. Therefore, it has been classified as a Variant of Uncertain Significance.

NM_198578.4(LRRK2):c.4468G>A (p.Ala1490Thr)

Gene: LRRK2 (leucine rich repeat kinase 2; plus strand). Cytogenetic location: 12q12.
Variant type: single nucleotide variant.
Coding change: c.4468G>A on transcript NM_198578.4 (MANE Select); coding-DNA position 4468, G replaced by A.
Protein change: p.Ala1490Thr; replaces alanine 1490 with threonine.
Molecular consequence: missense variant.
Genome position (GRCh38, 1-based): chr12:40,310,581, G>A. VCF-style: chr12-40310581-G-A. GRCh37 (hg19) VCF-style: chr12-40704383-G-A.
Other names: short protein forms A1490T.
Identifiers: ClinVar variation 1007154 (VCV001007154.8), dbSNP rs201154630, ClinGen allele CA235358124.
Genomic context (GRCh38, chr12:40,310,581, plus strand): 5'-ACCAAGGAACTCCTGAATAAGCGAGGGTTCCCTGCCATACGAGATTACCACTTTGTGAAT[G>A]CCACCGAGGAATCTGATGCTTTGGCAAAACTTCGGAAAACCATCATAAACGAGAGCCTTA-3'
Protein context (NP_940980.4, residues 1480-1500): PAIRDYHFVN[Ala1490Thr]TEESDALAKL